The following is an entry in ClinVar:

ClinVar aggregate classification (germline): Conflicting classifications of pathogenicity. Review status: criteria provided, conflicting classifications (1 of 4 stars). 3 submissions from 2 submitters: Uncertain significance (1); Benign (2). Last evaluated 2026-07-23.

Conditions:
Hereditary cancer-predisposing syndrome. Also called: Hereditary Cancer Syndrome; Neoplastic Syndromes, Hereditary; Hereditary neoplastic syndrome; Tumor predisposition. Identifiers: Orphanet 140162, MedGen C0027672, MeSH D009386, MONDO:0015356.
Acrodysostosis 1 with or without hormone resistance (ACRDYS1). Also called: ACRODYSOSTOSIS WITH HORMONE RESISTANCE; ACRODYSOSTOSIS 1 WITH HORMONE RESISTANCE; ACRODYSOSTOSIS 1 WITHOUT HORMONE RESISTANCE. Identifiers: Orphanet 280651, MedGen C3276228, MONDO:0007044, OMIM 101800.
Carney complex, type 1 (CNC1). Also called: CARNEY COMPLEX, TYPE I; CARNEY MYXOMA-ENDOCRINE COMPLEX. Identifiers: Orphanet 1359, MedGen C2607929, MONDO:0008057, OMIM 160980.

Submissions (3):

Ambry Genetics
Classification: Uncertain significance for Hereditary cancer-predisposing syndrome. Last evaluated: 2026-07-23. Review status: criteria provided, single submitter. Criteria: Ambry Variant Classification Scheme 2023. Collection method: clinical testing. Allele origin: germline.
Comment: The p.R333H variant (also known as c.998G>A), located in coding exon 10 of the PRKAR1A gene, results from a G to A substitution at nucleotide position 998. The arginine at codon 333 is replaced by histidine, an amino acid with highly similar properties. This amino acid position is highly conserved in available vertebrate species. In addition, this alteration is predicted to be deleterious by in silico analysis. Based on the available evidence, the clinical significance of this variant remains unclear.

Genome-Nilou Lab
Classification: Benign for Carney complex, type 1. Last evaluated: 2021-10-25. Review status: criteria provided, single submitter. Criteria: ACMG Guidelines, 2015. Collection method: clinical testing. Allele origin: germline. Affected: no.

Genome-Nilou Lab
Classification: Benign for Acrodysostosis 1 with or without hormone resistance. Last evaluated: 2021-10-25. Review status: criteria provided, single submitter. Criteria: ACMG Guidelines, 2015. Collection method: clinical testing. Allele origin: germline. Affected: no.

NM_002734.5(PRKAR1A):c.998G>A (p.Arg333His)

Gene: PRKAR1A (protein kinase cAMP-dependent type I regulatory subunit alpha; plus strand). Cytogenetic location: 17q24.2.
Variant type: single nucleotide variant.
Coding change: c.998G>A on transcript NM_002734.5 (MANE Select); coding-DNA position 998, G replaced by A.
Protein change: p.Arg333His; replaces arginine 333 with histidine.
Molecular consequence: missense variant. On other transcripts: intron variant (1).
Genome position (GRCh38, 1-based): chr17:68,530,301, G>A. VCF-style: chr17-68530301-G-A. GRCh37 (hg19) VCF-style: chr17-66526442-G-A.
Other names: c.998G>A, p.Arg333His (NM_001276289.2, NM_001278433.2, NM_001369389.1 and 3 more transcripts); c.973+300G>A (NM_001276290.1); c.998G>A (NM_002734.3); short protein forms R333H.
Identifiers: ClinVar variation 1327444 (VCV001327444.3), dbSNP rs2143389718, ClinGen allele CA400754480.